The following is an entry in ClinVar:

ClinVar aggregate classification (germline): Likely benign (1 of 4 stars; one submission).

Submission:

CeGaT Center for Human Genetics Tuebingen
Classification: Likely benign. Last evaluated: 2024-06-01. Review status: criteria provided, single submitter. Criteria: CeGaT Center For Human Genetics Tuebingen Variant Classification Criteria Version 2. Collection method: clinical testing. Allele origin: germline. Affected: yes. Observed: 1 variant allele.
Comment: COCH: PM2:Supporting, BP4, BP7

NM_004086.3(COCH):c.82+176G>A

Gene: COCH (cochlin; plus strand). Cytogenetic location: 14q12.
Variant type: single nucleotide variant.
Coding change: c.82+176G>A on transcript NM_004086.3 (MANE Select); 176 bases into the intron after coding-DNA position 82, G replaced by A.
Molecular consequence: intron variant. On other transcripts: synonymous variant (1).
Genome position (GRCh38, 1-based): chr14:30,875,279, G>A. VCF-style: chr14-30875279-G-A. GRCh37 (hg19) VCF-style: chr14-31344485-G-A.
Other names: c.258G>A, p.Leu86= (NM_001347720.2); c.82+176G>A (NM_001135058.2).
Identifiers: ClinVar variation 3251070 (VCV003251070.18), dbSNP rs2502697878.